The following is an entry in ClinVar:

NM_015466.4(PTPN23):c.4085A>C (p.Asp1362Ala)

Gene: PTPN23 (protein tyrosine phosphatase non-receptor type 23; plus strand). Cytogenetic location: 3p21.31.
Variant type: single nucleotide variant.
Coding change: c.4085A>C on transcript NM_015466.4 (MANE Select); coding-DNA position 4085, A replaced by C.
Protein change: p.Asp1362Ala; replaces aspartic acid 1362 with alanine.
Molecular consequence: missense variant.
Genome position (GRCh38, 1-based): chr3:47,412,105, A>C. VCF-style: chr3-47412105-A-C. GRCh37 (hg19) VCF-style: chr3-47453595-A-C.
Other names: c.3707A>C, p.Asp1236Ala (NM_001304482.2); short protein forms D1236A, D1362A.
Identifiers: ClinVar variation 2135958 (VCV002135958.4), dbSNP rs2546257557, ClinGen allele CA352565306.

ClinVar aggregate classification (germline): Uncertain significance (1 of 4 stars; one submission).

Submission:

Labcorp Genetics (formerly Invitae), Labcorp
Classification: Uncertain significance. Last evaluated: 2022-08-06. Review status: criteria provided, single submitter. Criteria: Invitae Variant Classification Sherloc (09022015). Collection method: clinical testing. Allele origin: germline.
Comment: In summary, the available evidence is currently insufficient to determine the role of this variant in disease. Therefore, it has been classified as a Variant of Uncertain Significance. This variant has not been reported in the literature in individuals affected with PTPN23-related conditions. This variant is not present in population databases (gnomAD no frequency). Algorithms developed to predict the effect of missense changes on protein structure and function (SIFT, PolyPhen-2, Align-GVGD) all suggest that this variant is likely to be tolerated. This sequence change replaces aspartic acid, which is acidic and polar, with alanine, which is neutral and non-polar, at codon 1362 of the PTPN23 protein (p.Asp1362Ala).